The following is an entry in ClinVar:

NM_203447.4(DOCK8):c.4627-13_4627-12del

Gene: DOCK8 (dedicator of cytokinesis 8; plus strand). Cytogenetic location: 9p24.3.
Variant type: Deletion.
Coding change: c.4627-13_4627-12del on transcript NM_203447.4 (MANE Select); 13 bases into the intron before coding-DNA position 4627 through 12 bases into the intron before coding-DNA position 4627, 2 bases deleted (TT; older notation c.4627-13_4627-12delTT).
Molecular consequence: intron variant.
Genome position (GRCh38, 1-based): chr9:432,153-432,154, TT deleted; deleting any 2 consecutive bases within chr9:432,141-432,154 gives the same sequence; the c. name uses the placement nearest the transcript's 3' end. VCF-style (leftmost placement, unchanged base first): chr9-432140-CTT-C. GRCh37 (hg19) VCF-style: chr9-432140-CTT-C.
Other names: c.4423-13_4423-12del (NM_001193536.2); c.4327-13_4327-12del (NM_001190458.2).
Identifiers: ClinVar variation 1237066 (VCV001237066.5), dbSNP rs34439675, ClinGen allele CA4959155.
Genomic context (GRCh38, chr9:432,140, plus strand): 5'-TTTGTGTCTGGCCATGCTGCTTTCAGTTATCTACTGCTAAGTGTGTCTTATTTACTTCAT[CTT>C]TTTTTTTTTTTTCACTGATGCAGAATTTTGCAAGAGTAAAGATGCAAGTAACCATGTCCC-3'

ClinVar aggregate classification (germline): Benign. Review status: criteria provided, multiple submitters, no conflicts (2 of 4 stars). 2 submissions from 2 submitters: Benign (2). Last evaluated 2023-11-12.

Submissions (2):

Unidad de Genómica Garrahan, Hospital de Pediatría Garrahan
Classification: Benign. Last evaluated: 2023-11-12. Review status: criteria provided, single submitter. Criteria: ACMG Guidelines, 2015. Collection method: clinical testing. Allele origin: germline. Affected: no. Observed: 81 variant alleles.
Comment: This variant is classified as Benign based on local population frequency. This variant was detected in 84% of patients studied by a panel of primary immunodeficiencies. Number of patients: 81. Only high quality variants are reported.

GeneDx
Classification: Benign. Last evaluated: 2019-09-09. Review status: criteria provided, single submitter. Criteria: GeneDx Variant Classification Process June 2021. Collection method: clinical testing. Allele origin: germline. Affected: yes.